The following is an entry in ClinVar:

NM_014236.4(GNPAT):c.56G>C (p.Ser19Thr)

Gene: GNPAT (glyceronephosphate O-acyltransferase; plus strand). Cytogenetic location: 1q42.2.
Variant type: single nucleotide variant.
Coding change: c.56G>C on transcript NM_014236.4 (MANE Select); coding-DNA position 56, G replaced by C.
Protein change: p.Ser19Thr; replaces serine 19 with threonine.
Molecular consequence: missense variant.
Genome position (GRCh38, 1-based): chr1:231,241,434, G>C. VCF-style: chr1-231241434-G-C. GRCh37 (hg19) VCF-style: chr1-231377180-G-C.
Other names: c.56G>C, p.Ser19Thr (NM_001316350.2); short protein forms S19T.
Identifiers: ClinVar variation 1382464 (VCV001382464.5), dbSNP rs1241350008, ClinGen allele CA345228705.

ClinVar aggregate classification (germline): Uncertain significance (1 of 4 stars; one submission).

Allele frequency attached by ClinVar (database versions not stated): gnomAD exomes below 0.00001 and 0.00001.
gnomAD v4.1: 2 of 1,613,382 alleles (0.00012%); highest among the groups gnomAD compares: Admixed American, 0.0033%; no homozygotes.

Submission:

Labcorp Genetics (formerly Invitae), Labcorp
Classification: Uncertain significance. Last evaluated: 2021-08-14. Review status: criteria provided, single submitter. Criteria: Invitae Variant Classification Sherloc (09022015). Collection method: clinical testing. Allele origin: germline.
Comment: This sequence change replaces serine with threonine at codon 19 of the GNPAT protein (p.Ser19Thr). The serine residue is weakly conserved and there is a small physicochemical difference between serine and threonine. This variant is not present in population databases (ExAC no frequency). This variant has not been reported in the literature in individuals affected with GNPAT-related conditions. Algorithms developed to predict the effect of missense changes on protein structure and function (SIFT, PolyPhen-2, Align-GVGD) all suggest that this variant is likely to be tolerated. In summary, the available evidence is currently insufficient to determine the role of this variant in disease. Therefore, it has been classified as a Variant of Uncertain Significance.